The following is an entry in ClinVar:

ClinVar aggregate classification (germline): Likely pathogenic (1 of 4 stars; one submission).

Submission:

Labcorp Genetics (formerly Invitae), Labcorp
Classification: Likely pathogenic. Last evaluated: 2025-08-24. Review status: criteria provided, single submitter. Criteria: Invitae Variant Classification Sherloc (09022015). Collection method: clinical testing. Allele origin: germline.
Comment: This sequence change replaces lysine, which is basic and polar, with arginine, which is basic and polar, at codon 59 of the ABCA4 protein (p.Lys59Arg). This variant is not present in population databases (gnomAD no frequency). This variant has not been reported in the literature in individuals affected with ABCA4-related conditions. Invitae Evidence Modeling of protein sequence and biophysical properties (such as structural, functional, and spatial information, amino acid conservation, physicochemical variation, residue mobility, and thermodynamic stability) indicates that this missense variant is expected to disrupt ABCA4 protein function with a positive predictive value of 95%. This variant disrupts the p.Lys59 amino acid residue in ABCA4. Other variant(s) that disrupt this residue have been determined to be pathogenic (PMID: 26593885). This suggests that this residue is clinically significant, and that variants that disrupt this residue are likely to be disease-causing. In summary, the currently available evidence indicates that the variant is pathogenic, but additional data are needed to prove that conclusively. Therefore, this variant has been classified as Likely Pathogenic.

Literature cited by the submitters: PubMed 26593885.

NM_000350.3(ABCA4):c.176A>G (p.Lys59Arg)

Gene: ABCA4 (ATP binding cassette subfamily A member 4; minus strand). Cytogenetic location: 1p22.1.
Variant type: single nucleotide variant.
Coding change: c.176A>G on transcript NM_000350.3 (MANE Select); coding-DNA position 176, A replaced by G.
Protein change: p.Lys59Arg; replaces lysine 59 with arginine.
Molecular consequence: missense variant.
Genome position (GRCh38, 1-based): chr1:94,111,564, T>C on the plus strand (A>G on the coding strand, the complement: ABCA4 is on the minus strand). VCF-style: chr1-94111564-T-C. GRCh37 (hg19) VCF-style: chr1-94577120-T-C.
Other names: c.176A>G, p.Lys59Arg (NM_001425324.1); short protein forms K59R.
Identifiers: ClinVar variation 4799905 (VCV004799905.1).